The following is an entry in ClinVar:

ClinVar aggregate classification (germline): Uncertain significance (1 of 4 stars; one submission).

Submission:

CeGaT Center for Human Genetics Tuebingen
Classification: Uncertain significance. Last evaluated: 2025-05-01. Review status: criteria provided, single submitter. Criteria: CeGaT Center For Human Genetics Tuebingen Variant Classification Criteria Version 2. Collection method: clinical testing. Allele origin: germline. Affected: yes. Observed: 1 variant allele.
Comment: ZSWIM6: PM2

NM_020928.2(ZSWIM6):c.1748G>C (p.Arg583Thr)

Gene: ZSWIM6 (zinc finger SWIM-type containing 6; plus strand). Cytogenetic location: 5q12.1.
Variant type: single nucleotide variant.
Coding change: c.1748G>C on transcript NM_020928.2 (MANE Select); coding-DNA position 1748, G replaced by C.
Protein change: p.Arg583Thr; replaces arginine 583 with threonine.
Molecular consequence: missense variant.
Genome position (GRCh38, 1-based): chr5:61,526,307, G>C. VCF-style: chr5-61526307-G-C. GRCh37 (hg19) VCF-style: chr5-60822134-G-C.
Other names: short protein forms R583T.
Identifiers: ClinVar variation 3389263 (VCV003389263.14).